The following is an entry in ClinVar:

NM_000081.4(LYST):c.5351_5352insTTTTTTTTTTTTTTTTTTTTNNNNNNNNNNCTCATGATCCACCCGCCTCGGCCTCCCAAAGTGCTGGGATTACAGGCGTGAGCCACCGCGCCCGGCCCAGAGCATCTT (p.Leu1784delinsPhePhePhePhePhePhePheXaaXaaXaaXaaSerTer)

Gene: LYST (lysosomal trafficking regulator; minus strand). Cytogenetic location: 1q42.3.
Variant type: Insertion.
Coding change: c.5351_5352insTTTTTTTTTTTTTTTTTTTTNNNNNNNNNNCTCATGATCCACCCGCCTCGGCCTCCCAAAGTGCTGGGATTACAGGCGTGAGCCACCGCGCCCGGCCCAGAGCATCTT on transcript NM_000081.4 (MANE Select); coding-DNA positions 5351 to 5352, TTTTTTTTTTTTTTTTTTTTNNNNNNNNNNCTCATGATCCACCCGCCTCGGCCTCCCAAAGTGCTGGGATTACAGGCGTGAGCCACCGCGCCCGGCCCAGAGCATCTT inserted.
Protein change: p.Leu1784delinsPhePhePhePhePhePhePheXaaXaaXaaXaaSerTer.
Molecular consequence: nonsense.
Genome position: GRCh38: chr1:235,777,182-235,777,183. GRCh37 (hg19): chr1:235,940,482-235,940,483.
Other names: c.5351_5352insTTTTTTTTTTTTTTTTTTTTNNNNNNNNNNCTCATGATCCACCCGCCTCGGCCTCCCAAAGTGCTGGGATTACAGGCGTGAGCCACCGCGCCCGGCCCAGAGCATCTT, p.Leu1784delinsPhePhePhePhePhePhePheXaaXaaXaaXaaSerTer (NM_001301365.1).
Identifiers: ClinVar variation 2698100 (VCV002698100.3), dbSNP rs2527994002.

ClinVar aggregate classification (germline): Pathogenic (1 of 4 stars; one submission).

Conditions:
Chédiak-Higashi syndrome (CHS). Also called: Chediak-Higashi Syndrome. Identifiers: Orphanet 167, MedGen C0007965, MONDO:0008963, OMIM 214500.

Submission:

Labcorp Genetics (formerly Invitae), Labcorp
Classification: Pathogenic for Chédiak-Higashi syndrome. Last evaluated: 2023-11-21. Review status: criteria provided, single submitter. Criteria: Invitae Variant Classification Sherloc (09022015). Collection method: clinical testing. Allele origin: germline.
Comment: This sequence change inserts a large fragment of DNA, likely a transposable element, in exon 17 of the LYST gene (c.5351_5352ins?), causing a frameshift at codon 1784 (p.Leu1784fs). The exact size and sequence of the insertion cannot be determined by the current assay. However, the insertion is expected to result in an absent or disrupted protein product. This variant is not present in population databases (gnomAD no frequency). This variant has not been reported in the literature in individuals affected with LYST-related conditions. Retrotransposon insertions including LINE1 (L1), Alu, and SVA (SINE-VNTR-Alu) have been reported to be disease-causing through disruption of either a coding region or splice site (PMID: 19763152, 20307669, 22406018) and loss-of-function variants in LYST are known to be pathogenic (PMID: 9215679, 11857544). For these reasons, this variant has been classified as Pathogenic.

Literature cited by the submitters: PubMed 19763152; PubMed 20307669; PubMed 22406018; PubMed 9215679; PubMed 11857544.